The following is an entry in ClinVar:

ClinVar aggregate classification (germline): Uncertain significance (1 of 4 stars; one submission).

Conditions:
Maple syrup urine disease, mild variant (MSUDMV). Identifiers: Orphanet 511, MedGen C3554575, MONDO:0014057, OMIM 615135.

Allele frequency attached by ClinVar (database versions not stated): gnomAD 0.00001.
gnomAD v4.1: 2 of 1,613,836 alleles (0.00012%); highest among the groups gnomAD compares: Non-Finnish European, 0.00017%; no homozygotes.

Submission:

Labcorp Genetics (formerly Invitae), Labcorp
Classification: Uncertain significance for Maple syrup urine disease, mild variant. Last evaluated: 2024-12-02. Review status: criteria provided, single submitter. Criteria: Invitae Variant Classification Sherloc (09022015). Collection method: clinical testing. Allele origin: germline.
Comment: This sequence change replaces leucine, which is neutral and non-polar, with valine, which is neutral and non-polar, at codon 201 of the PPM1K protein (p.Leu201Val). This variant is not present in population databases (gnomAD no frequency). This variant has not been reported in the literature in individuals affected with PPM1K-related conditions. ClinVar contains an entry for this variant (Variation ID: 1372229). An algorithm developed to predict the effect of missense changes on protein structure and function (PolyPhen-2) suggests that this variant is likely to be disruptive. In summary, the available evidence is currently insufficient to determine the role of this variant in disease. Therefore, it has been classified as a Variant of Uncertain Significance.

NM_152542.5(PPM1K):c.601C>G (p.Leu201Val)

Gene: PPM1K (protein phosphatase, Mg2+/Mn2+ dependent 1K; minus strand). Cytogenetic location: 4q22.1.
Variant type: single nucleotide variant.
Coding change: c.601C>G on transcript NM_152542.5 (MANE Select); coding-DNA position 601, C replaced by G.
Protein change: p.Leu201Val; replaces leucine 201 with valine.
Molecular consequence: missense variant.
Genome position (GRCh38, 1-based): chr4:88,268,847, G>C on the plus strand (C>G on the coding strand, the complement: PPM1K is on the minus strand). VCF-style: chr4-88268847-G-C. GRCh37 (hg19) VCF-style: chr4-89189999-G-C.
Other names: short protein forms L201V.
Identifiers: ClinVar variation 1372229 (VCV001372229.6), dbSNP rs1731442831, ClinGen allele CA357706560.